The following is an entry in ClinVar:

NM_000186.4(CFH):c.743A>C (p.Asp248Ala)

Gene: CFH (complement factor H; plus strand). Cytogenetic location: 1q31.3.
Variant type: single nucleotide variant.
Coding change: c.743A>C on transcript NM_000186.4 (MANE Select); coding-DNA position 743, A replaced by C.
Protein change: p.Asp248Ala; replaces aspartic acid 248 with alanine.
Molecular consequence: missense variant.
Genome position (GRCh38, 1-based): chr1:196,679,746, A>C. VCF-style: chr1-196679746-A-C. GRCh37 (hg19) VCF-style: chr1-196648876-A-C.
Other names: c.743A>C, p.Asp248Ala (NM_001014975.3); short protein forms D248A.
Identifiers: ClinVar variation 4291326 (VCV004291326.1).

ClinVar aggregate classification (germline): Uncertain significance (1 of 4 stars; one submission).

Conditions:
Atypical hemolytic-uremic syndrome. Identifiers: Orphanet 2134, MedGen C2931788, MONDO:0016244.
Basal laminar drusen. Also called: DRUSEN OF BRUCH MEMBRANE; DRUSEN, CUTICULAR; DRUSEN, EARLY ADULT-ONSET, GROUPED. Identifiers: Orphanet 75376, MedGen C0730295, MONDO:0007472, OMIM 126700.
Factor H deficiency (CFHD). Also called: COMPLEMENT FACTOR H DEFICIENCY; CFH DEFICIENCY. Identifiers: Orphanet 200421, MedGen C0398777, MONDO:0012350, OMIM 609814.
Age related macular degeneration 4. Identifiers: MedGen C1853147, MONDO:0012540, OMIM 610698.

Submission:

Genomenon, Inc
Classification: Uncertain significance for Basal laminar drusen; Age related macular degeneration 4; Atypical hemolytic-uremic syndrome; Factor H deficiency. Last evaluated: 2025-10-02. Review status: criteria provided, single submitter. Criteria: Genomenon Sequence Variant Interpretation Standards - Updated. Collection method: curation. Allele origin: germline. Affected: no.
Comment: CFH p.Asp248Ala (c.743A>C) is a missense variant that changes the amino acid at residue 248 from Aspartic acid to Alanine. This variant has been reported in the published literature (PMID:21683447). It is absent or not present at a significant frequency in gnomAD. In conclusion, we classify CFH p.Asp248Ala (c.743A>C) as a variant of uncertain significance.

Literature cited by the submitters: PubMed 21683447.